The following is an entry in ClinVar:

NM_000352.6(ABCC8):c.1531C>G (p.Leu511Val)

Gene: ABCC8 (ATP binding cassette subfamily C member 8; minus strand). Cytogenetic location: 11p15.1.
Variant type: single nucleotide variant.
Coding change: c.1531C>G on transcript NM_000352.6 (MANE Select); coding-DNA position 1531, C replaced by G.
Protein change: p.Leu511Val; replaces leucine 511 with valine.
Molecular consequence: missense variant. On other transcripts: non-coding transcript variant (1).
Genome position (GRCh38, 1-based): chr11:17,442,819, G>C on the plus strand (C>G on the coding strand, the complement: ABCC8 is on the minus strand). VCF-style: chr11-17442819-G-C. GRCh37 (hg19) VCF-style: chr11-17464366-G-C.
Other names: c.1531C>G, p.Leu511Val (NM_001287174.3, NM_001351295.2); c.1528C>G, p.Leu510Val (NM_001351296.2, NM_001351297.2); short protein forms L510V, L511V.
Identifiers: ClinVar variation 1334167 (VCV001334167.18), dbSNP rs773345085, ClinGen allele CA5903538.
Genomic context (GRCh38, chr11:17,442,819, plus strand): 5'-TCATCTCCTTCCTGCGGGTCGTCTCCACCCGCGTGCGGAAGATGTTCTCCCAGGCGTACA[G>C]CTTCAGCAGCTTGATGCCGCGGAGCATCTCGTTGGTCTGCTTCAGCCGCTCATTGGAATA-3'
Protein context (NP_000343.2, residues 501-521): EMLRGIKLLK[Leu511Val]YAWENIFRTR

ClinVar aggregate classification (germline): Uncertain significance. Review status: criteria provided, multiple submitters, no conflicts (2 of 4 stars). 3 submissions from 3 submitters: Uncertain significance (3). Last evaluated 2024-10-16.

Conditions:
Hyperinsulinemic hypoglycemia, familial, 1 (HHF1). Also called: Persistent hyperinsulinemic hypoglycemia of infancy; Persistent Hyperinsulinemia Hypoglycemia of Infancy; HYPERINSULINISM, FAMILIAL, WITH PANCREATIC NESIDIOBLASTOSIS; HYPOGLYCEMIA, HYPERINSULINEMIC, OF INFANCY; NESIDIOBLASTOSIS OF PANCREAS. Identifiers: Orphanet 276575, Orphanet 276598, MedGen C2931832, MONDO:0009734, OMIM 256450.
Leucine-induced hypoglycemia (LIH). Also called: LEUCINE-SENSITIVE HYPOGLYCEMIA OF INFANCY. Identifiers: MedGen C0271714, MONDO:0009415, OMIM 240800.
Type 2 diabetes mellitus. Also called: Type II diabetes mellitus. Identifiers: MedGen C0011860, MeSH D003924, MONDO:0005148, OMIM 125853, HP:0005978.
Diabetes mellitus, transient neonatal, 2 (TNDM2). Identifiers: Orphanet 99886, MedGen C1835887, MONDO:0012480, OMIM 610374. Disease mechanism: loss of function.
Diabetes mellitus, permanent neonatal 3. Also called: ABCC8-Related Permanent Neonatal Diabetes Mellitus. Identifiers: MedGen C5394303, MONDO:0030088, OMIM 618857.

Allele frequency attached by ClinVar (database versions not stated): ExAC 0.00001; gnomAD 0.00001; gnomAD exomes 0.00001; TOPMed 0.00001.
gnomAD v4.1: 8 of 1,614,020 alleles (0.0005%); highest among the groups gnomAD compares: Non-Finnish European, 0.00068%; no homozygotes.

Submissions (3):

Labcorp Genetics (formerly Invitae), Labcorp
Classification: Uncertain significance. Last evaluated: 2024-10-16. Review status: criteria provided, single submitter. Criteria: Invitae Variant Classification Sherloc (09022015). Collection method: clinical testing. Allele origin: germline.
Comment: This sequence change replaces leucine, which is neutral and non-polar, with valine, which is neutral and non-polar, at codon 511 of the ABCC8 protein (p.Leu511Val). This variant is present in population databases (rs773345085, gnomAD 0.002%). This variant has not been reported in the literature in individuals affected with ABCC8-related conditions. ClinVar contains an entry for this variant (Variation ID: 1334167). Invitae Evidence Modeling of protein sequence and biophysical properties (such as structural, functional, and spatial information, amino acid conservation, physicochemical variation, residue mobility, and thermodynamic stability) indicates that this missense variant is expected to disrupt ABCC8 protein function with a positive predictive value of 95%. In summary, the available evidence is currently insufficient to determine the role of this variant in disease. Therefore, it has been classified as a Variant of Uncertain Significance.

Fulgent Genetics
Classification: Uncertain significance for Type 2 diabetes mellitus; Leucine-induced hypoglycemia; Hyperinsulinemic hypoglycemia, familial, 1; Diabetes mellitus, transient neonatal, 2; Diabetes mellitus, permanent neonatal 3. Last evaluated: 2021-11-18. Review status: criteria provided, single submitter. Criteria: ACMG Guidelines, 2015. Collection method: clinical testing. Allele origin: unknown.

Myriad Genetics, Inc.
Classification: Uncertain significance for Hyperinsulinemic hypoglycemia, familial, 1. Last evaluated: 2021-11-09. Review status: criteria provided, single submitter. Criteria: Myriad Women's Health Autosomal Recessive and X-Linked Classification Criteria (2021). Collection method: clinical testing. Allele origin: unknown.
Comment: NM_000352.3(ABCC8):c.1531C>G(L511V) is a missense variant classified as a variant of uncertain significance in the context of familial hyperinsulinism, ABCC8-related. L511V has not been observed in cases with relevant disease. Functional assessments of this variant are not available in the literature. L511V has been observed in population frequency databases (gnomAD: NFE <0.001%). In summary, there is insufficient evidence to classify NM_000352.3(ABCC8):c.1531C>G(L511V) as pathogenic or benign. Please note: this variant was assessed in the context of healthy population screening.